The following is an entry in ClinVar:

ClinVar aggregate classification (germline): Benign/Likely benign. Review status: criteria provided, multiple submitters, no conflicts (2 of 4 stars). 5 submissions from 5 submitters: Benign (1); Likely benign (4). Last evaluated 2025-12-10.

Conditions:
Hereditary cancer-predisposing syndrome. Also called: Tumor predisposition; Hereditary Cancer Syndrome; Hereditary neoplastic syndrome; Neoplastic Syndromes, Hereditary. Identifiers: Orphanet 140162, MedGen C0027672, MeSH D009386, MONDO:0015356.
Familial cancer of breast. Also called: BREAST CANCER, FAMILIAL; hereditary breast carcinoma; Hereditary breast cancer. Identifiers: Orphanet 227535, MedGen C0346153, MONDO:0016419, OMIM 114480. Disease mechanism: loss of function.
Fanconi anemia complementation group J. Also called: BRIP1-Related Fanconi Anemia. Identifiers: Orphanet 84, MedGen C1836860, MONDO:0012187, OMIM 609054.

Allele frequency attached by ClinVar (database versions not stated): gnomAD exomes below 0.00001; TOPMed below 0.00001; gnomAD 0.00001.
gnomAD v4.1: 12 of 1,613,882 alleles (0.00074%); highest among the groups gnomAD compares: Non-Finnish European, 0.001%; no homozygotes.

Submissions (5):

Labcorp Genetics (formerly Invitae), Labcorp
Classification: Likely benign for Familial cancer of breast; Fanconi anemia complementation group J. Last evaluated: 2025-12-10. Review status: criteria provided, single submitter. Criteria: Invitae Variant Classification Sherloc (09022015). Collection method: clinical testing. Allele origin: germline.

Myriad Genetics, Inc.
Classification: Benign for Familial cancer of breast. Last evaluated: 2024-08-22. Review status: criteria provided, single submitter. Criteria: Myriad Autosomal Dominant, Autosomal Recessive and X-Linked Classification Criteria (2023). Collection method: clinical testing. Allele origin: unknown.
Comment: This variant is considered benign. This variant is a silent/synonymous amino acid change and it is not expected to impact splicing.

Color Diagnostics, LLC DBA Color Health
Classification: Likely benign for Hereditary cancer-predisposing syndrome. Last evaluated: 2017-12-23. Review status: criteria provided, single submitter. Criteria: ACMG Guidelines, 2015. Collection method: clinical testing. Allele origin: germline.

GeneDx
Classification: Likely benign. Last evaluated: 2017-12-21. Review status: criteria provided, single submitter. Criteria: GeneDx Variant Classification (06012015). Collection method: clinical testing. Allele origin: germline. Affected: yes.
Comment: This variant is considered likely benign or benign based on one or more of the following criteria: it is a conservative change, it occurs at a poorly conserved position in the protein, it is predicted to be benign by multiple in silico algorithms, and/or has population frequency not consistent with disease.

Ambry Genetics
Classification: Likely benign for Hereditary cancer-predisposing syndrome. Last evaluated: 2014-07-01. Review status: criteria provided, single submitter. Criteria: Ambry Variant Classification Scheme 2023. Collection method: clinical testing. Allele origin: germline.

NM_032043.3(BRIP1):c.795G>A (p.Arg265=)

Gene: BRIP1 (BRCA1 interacting DNA helicase 1; minus strand). Cytogenetic location: 17q23.2.
Variant type: single nucleotide variant.
Coding change: c.795G>A on transcript NM_032043.3 (MANE Select); coding-DNA position 795, G replaced by A.
Protein change: p.Arg265=; no amino-acid change (arginine 265 retained).
Molecular consequence: synonymous variant.
Genome position (GRCh38, 1-based): chr17:61,808,590, C>T on the plus strand (G>A on the coding strand, the complement: BRIP1 is on the minus strand). VCF-style: chr17-61808590-C-T. GRCh37 (hg19) VCF-style: chr17-59885951-C-T.
Identifiers: ClinVar variation 184441 (VCV000184441.20), dbSNP rs61754143, ClinGen allele CA188979.
Genomic context (GRCh38, chr17:61,808,590, plus strand): 5'-ATGGACACAAGTATGATCCCTGCTGGAAAGAATAGTCATTGGAACCCCTGAATATGCCGT[C>T]CTCCGGAGCTCTCTAGTAATCTGAGCAATCTGCTTGTGTGTGCGTGTCCCAAAATATATT-3'
Protein context (NP_114432.2, residues 255-275): QIAQITRELR[Arg265=]TAYSGVPMTI